The following is an entry in ClinVar:

NM_022552.5(DNMT3A):c.1490G>T (p.Cys497Phe)

Gene: DNMT3A (DNA methyltransferase 3 alpha; minus strand). Cytogenetic location: 2p23.3.
Variant type: single nucleotide variant.
Coding change: c.1490G>T on transcript NM_022552.5 (MANE Select); coding-DNA position 1490, G replaced by T.
Protein change: p.Cys497Phe; replaces cysteine 497 with phenylalanine.
Molecular consequence: missense variant. On other transcripts: non-coding transcript variant (1).
Genome position (GRCh38, 1-based): chr2:25,245,317, C>A on the plus strand (G>T on the coding strand, the complement: DNMT3A is on the minus strand). VCF-style: chr2-25245317-C-A. GRCh37 (hg19) VCF-style: chr2-25468186-C-A.
Other names: c.1034G>T, p.Cys345Phe (NM_001320893.1); c.821G>T, p.Cys274Phe (NM_001375819.1); c.923G>T, p.Cys308Phe (NM_153759.3); c.1490G>T, p.Cys497Phe (NM_175629.2); short protein forms C274F, C308F, C345F, C497F.
Identifiers: ClinVar variation 1098321 (VCV001098321.2), dbSNP rs779323387, ClinGen allele CA43704297.
Genomic context (GRCh38, chr2:25,245,317, plus strand): 5'-CAGTTTTGGCACATTCCTCCAACGAAGAGGGGGTGTTCCAGGGTAACATTGAGGCTCCCA[C>A]AGGAGATGCAGATGTCTGGAAAGCAGAGGGAGGGGATGGGGTGAGTACCACCGAAGGGCC-3'
Protein context (NP_072046.2, residues 487-507): CRNIEDICIS[Cys497Phe]GSLNVTLEHP

ClinVar aggregate classification (germline): Likely pathogenic (1 of 4 stars; one submission).

Submission:

Genetics Laboratory, UDIAT-Centre Diagnòstic, Hospital Universitari Parc Tauli
Classification: Likely pathogenic. Last evaluated: 2021-04-26. Review status: criteria provided, single submitter. Criteria: Parc Tauli Hospital Assertion Criteria 2021. Collection method: clinical testing. Allele origin: de novo. Inheritance: Autosomal dominant inheritance. Affected: yes. Observed: 1 heterozygote.
Comment: PM1_moderate;PM2_supporting;PM6_moderate;PP2_supporting;PP3_supporting